The following is an entry in ClinVar:

NM_006488.3(KHK):c.*79G>A

Genes: CGREF1 (cell growth regulator with EF-hand domain 1; minus strand), KHK (ketohexokinase; plus strand). Cytogenetic location: 2p23.3.
Variant type: single nucleotide variant.
Coding change: c.*79G>A on transcript NM_006488.3 (MANE Select); 79 bases downstream of the stop codon, G replaced by A.
Molecular consequence: 3 prime UTR variant. On other transcripts: synonymous variant (1).
Genome position (GRCh38, 1-based): chr2:27,099,829, G>A. VCF-style: chr2-27099829-G-A. GRCh37 (hg19) VCF-style: chr2-27322697-G-A.
Other names: c.354C>T, p.Asp118= (NM_001166240.2); c.*32C>T (NM_001301324.2); c.*79G>A (NM_000221.3).
Identifiers: ClinVar variation 335505 (VCV000335505.8), dbSNP rs75067630, ClinGen allele CA1569513.

ClinVar aggregate classification (germline): Benign. Review status: criteria provided, multiple submitters, no conflicts (2 of 4 stars). 2 submissions from 2 submitters: Benign (2). Last evaluated 2018-01-12.

Conditions:
Essential fructosuria. Also called: KETOHEXOKINASE DEFICIENCY; HEPATIC FRUCTOKINASE DEFICIENCY. Identifiers: Orphanet 2056, MedGen C0268160, MONDO:0009252, OMIM 229800.

Allele frequency attached by ClinVar (database versions not stated): gnomAD exomes 0.00216 and 0.00102; 1000 Genomes Project 30x 0.00953; gnomAD 0.00958 and 0.01036; 1000 Genomes Project 0.00938; ESP Exome Variant Server 0.01007; ExAC 0.00505; TOPMed 0.01122.
gnomAD v4.1: 2,986 of 1,564,760 alleles (0.19%); highest among the groups gnomAD compares: African/African-American, 3.5%; 52 homozygotes.

Submissions (2):

Illumina Laboratory Services, Illumina
Classification: Benign for Essential fructosuria. Last evaluated: 2018-01-12. Review status: criteria provided, single submitter. Criteria: ICSL Variant Classification Criteria 13 December 2019. Collection method: clinical testing. Allele origin: germline.
Comment: This variant was observed in the ICSL laboratory as part of a predisposition screen in an ostensibly healthy population. It had not been previously curated by ICSL or reported in the Human Gene Mutation Database (HGMD: prior to June 1st, 2018), and was therefore a candidate for classification through an automated scoring system. Utilizing variant allele frequency, disease prevalence and penetrance estimates, and inheritance mode, an automated score was calculated to assess if this variant is too frequent to cause the disease. Based on the score and internal cut-off values, a variant classified as benign is not then subjected to further curation. The score for this variant resulted in a classification of benign for this disease.

Breakthrough Genomics
Classification: Benign. Review status: criteria provided, single submitter. Criteria: ACMG Guidelines, 2015. Collection method: not provided. Allele origin: germline. Inheritance: Autosomal recessive inheritance. Affected: yes.